The following is an entry in ClinVar:

NM_012210.4(TRIM32):c.650A>G (p.Asn217Ser)

Genes: ASTN2 (astrotactin 2; minus strand), TRIM32 (tripartite motif containing 32; plus strand). Cytogenetic location: 9q33.1.
Variant type: single nucleotide variant.
Coding change: c.650A>G on transcript NM_012210.4 (MANE Select); coding-DNA position 650, A replaced by G.
Protein change: p.Asn217Ser; replaces asparagine 217 with serine.
Molecular consequence: missense variant. On other transcripts: intron variant (3).
Genome position (GRCh38, 1-based): chr9:116,698,392, A>G. VCF-style: chr9-116698392-A-G. GRCh37 (hg19) VCF-style: chr9-119460671-A-G.
Other names: c.2794+27379T>C (NM_001365069.1); c.2806+27379T>C (NM_001365068.1); c.650A>G, p.Asn217Ser (NM_001099679.2, NM_001379048.1, NM_001379049.1 and 1 more transcripts); c.2653+27379T>C (NM_014010.5); short protein forms N217S.
Identifiers: ClinVar variation 498075 (VCV000498075.20), dbSNP rs374248541, ClinGen allele CA5211018.
Genomic context (GRCh38, chr9:116,698,392, plus strand): 5'-ATGAGCTGGCTCGCTCTCGGAAGTTCTTCACAGGCTCTTTGGCTGAAGTTGAGAAGTCCA[A>G]TAGTCAAGTGGTAGAGGAGCAGAGTTACCTGCTTAACATTGCAGAGGTGCAGGCTGTGTC-3'
Protein context (NP_036342.2, residues 207-227): TGSLAEVEKS[Asn217Ser]SQVVEEQSYL

ClinVar aggregate classification (germline): Uncertain significance. Review status: criteria provided, multiple submitters, no conflicts (2 of 4 stars). 5 submissions from 5 submitters: Uncertain significance (5). Last evaluated 2025-09-30.

Conditions:
Sarcotubular myopathy (LGMDR8). Also called: Limb-girdle muscular dystrophy, type 2H; MUSCULAR DYSTROPHY, LIMB-GIRDLE, AUTOSOMAL RECESSIVE 8; Autosomal recessive limb-girdle muscular dystrophy type 2H; Hutterite type of muscular dystrophy. Identifiers: Orphanet 1878, MedGen C0270968, MONDO:0009683, OMIM 254110.
Bardet-Biedl syndrome 11 (BBS11). Identifiers: Orphanet 110, MedGen C1859569, MONDO:0014439, OMIM 615988.
TRIM32-related disorder. Also called: TRIM32-related condition.
Bardet-Biedl syndrome (BBS). Identifiers: Orphanet 110, MedGen C0752166, MONDO:0015229.

Allele frequency attached by ClinVar (database versions not stated): gnomAD 0.00001 and 0.00002; gnomAD exomes 0.00002 and 0.00003; TOPMed 0.00003; ExAC 0.00004; ESP Exome Variant Server 0.00008.
gnomAD v4.1: 29 of 1,614,030 alleles (0.0018%); highest among the groups gnomAD compares: Middle Eastern, 0.016%; no homozygotes.

Submissions (5):

PreventionGenetics, part of Exact Sciences
Classification: Uncertain significance for TRIM32-related condition. Last evaluated: 2025-09-30. Review status: criteria provided, single submitter. Criteria: ACMG Guidelines, 2015. Collection method: clinical testing. Allele origin: germline.
Comment: The TRIM32 c.650A>G variant is predicted to result in the amino acid substitution p.Asn217Ser. This variant was reported in the compound heterozygous state in siblings with muscular dystrophy (Family B in Servián-Morilla et al. 2019. PubMed ID: 30823891). This variant is reported in 0.0087% of alleles in individuals of Latino descent in gnomAD. At this time, the clinical significance of this variant is uncertain due to the absence of conclusive functional and genetic evidence.

Labcorp Genetics (formerly Invitae), Labcorp
Classification: Uncertain significance for Bardet-Biedl syndrome. Last evaluated: 2025-02-03. Review status: criteria provided, single submitter. Criteria: Invitae Variant Classification Sherloc (09022015). Collection method: clinical testing. Allele origin: germline.
Comment: This sequence change replaces asparagine, which is neutral and polar, with serine, which is neutral and polar, at codon 217 of the TRIM32 protein (p.Asn217Ser). This variant is present in population databases (rs374248541, gnomAD 0.009%). This missense change has been observed in individual(s) with clinical features of TRIM32-related conditions (PMID: 30823891). ClinVar contains an entry for this variant (Variation ID: 498075). An algorithm developed to predict the effect of missense changes on protein structure and function (PolyPhen-2) suggests that this variant¬†is likely to be tolerated. In summary, the available evidence is currently insufficient to determine the role of this variant in disease. Therefore, it has been classified as a Variant of Uncertain Significance.

Fulgent Genetics
Classification: Uncertain significance for Sarcotubular myopathy; Bardet-Biedl syndrome 11. Last evaluated: 2024-01-03. Review status: criteria provided, single submitter. Criteria: ACMG Guidelines, 2015. Collection method: clinical testing. Allele origin: germline.

Revvity Omics, Revvity
Classification: Uncertain significance. Last evaluated: 2021-05-27. Review status: criteria provided, single submitter. Criteria: ACMG Guidelines, 2015. Collection method: clinical testing. Allele origin: germline.

Eurofins Ntd Llc (ga)
Classification: Uncertain significance. Last evaluated: 2016-10-21. Review status: criteria provided, single submitter. Criteria: EGL Classification Definitions 2015. Collection method: clinical testing. Allele origin: germline. Observed: 1 variant allele, 1 heterozygote.

Literature cited by the submitters: PubMed 30823891 (cited by Labcorp Genetics (formerly Invitae), Labcorp).